The following is an entry in ClinVar:

NM_006567.5(FARS2):c.773-6T>A

Gene: FARS2 (phenylalanyl-tRNA synthetase 2, mitochondrial; plus strand). Cytogenetic location: 6p25.1.
Variant type: single nucleotide variant.
Coding change: c.773-6T>A on transcript NM_006567.5 (MANE Select); 6 bases into the intron before coding-DNA position 773, T replaced by A.
Molecular consequence: intron variant.
Genome position (GRCh38, 1-based): chr6:5,431,035, T>A. VCF-style: chr6-5431035-T-A. GRCh37 (hg19) VCF-style: chr6-5431268-T-A.
Other names: c.773-6T>A (NM_001374878.1, NM_001318872.2, NM_001374877.1 and 4 more transcripts); c.772+26334T>A (NM_001375258.1); c.77-6T>A (NM_001375260.1, NM_001375259.1).
Identifiers: ClinVar variation 2230519 (VCV002230519.3), dbSNP rs774599491, ClinGen allele CA3623753.

ClinVar aggregate classification (germline): Uncertain significance (1 of 4 stars; one submission).

Conditions:
Inborn genetic diseases. Identifiers: MedGen C0950123, MeSH D030342.

Allele frequency attached by ClinVar (database versions not stated): ExAC 0.00001.
gnomAD v4.1: 3 of 1,613,020 alleles (0.00019%); highest among the groups gnomAD compares: Non-Finnish European, 0.00025%; no homozygotes.

Submission:

Ambry Genetics
Classification: Uncertain significance for Inborn genetic diseases. Last evaluated: 2026-01-26. Review status: criteria provided, single submitter. Criteria: Ambry Variant Classification Scheme 2023. Collection method: clinical testing. Allele origin: germline.
Comment: The c.773-6T>A intronic alteration consists of a T to A substitution 6 nucleotides before exon 4 (coding exon 3) of the FARS2 gene. Based on data from gnomAD, the A allele has an overall frequency of 0.001% (2/250818) total alleles studied. The highest observed frequency was 0.002% (2/113408) of European (non-Finnish) alleles. This nucleotide position is not well conserved in available vertebrate species. In silico splice site analysis for this alteration is inconclusive. Based on insufficient or conflicting evidence, the clinical significance of this alteration remains unclear.